The following is an entry in ClinVar:

NM_183357.3(ADCY5):c.1024C>G (p.Leu342Val)

Gene: ADCY5 (adenylate cyclase 5; minus strand). Cytogenetic location: 3q21.1.
Variant type: single nucleotide variant.
Coding change: c.1024C>G on transcript NM_183357.3 (MANE Select); coding-DNA position 1024, C replaced by G.
Protein change: p.Leu342Val; replaces leucine 342 with valine.
Molecular consequence: missense variant.
Genome position (GRCh38, 1-based): chr3:123,447,522, G>C on the plus strand (C>G on the coding strand, the complement: ADCY5 is on the minus strand). VCF-style: chr3-123447522-G-C. GRCh37 (hg19) VCF-style: chr3-123166369-G-C.
Other names: c.1024C>G, p.Leu342Val (NM_001378259.1); short protein forms L342V.
Identifiers: ClinVar variation 2038546 (VCV002038546.4), dbSNP rs1202775842, ClinGen allele CA354356109.

ClinVar aggregate classification (germline): Uncertain significance (1 of 4 stars; one submission).

Allele frequency attached by ClinVar (database versions not stated): gnomAD exomes below 0.00001.

Submission:

Labcorp Genetics (formerly Invitae), Labcorp
Classification: Uncertain significance. Last evaluated: 2022-04-23. Review status: criteria provided, single submitter. Criteria: Invitae Variant Classification Sherloc (09022015). Collection method: clinical testing. Allele origin: germline.
Comment: In summary, the available evidence is currently insufficient to determine the role of this variant in disease. Therefore, it has been classified as a Variant of Uncertain Significance. Advanced modeling of protein sequence and biophysical properties (such as structural, functional, and spatial information, amino acid conservation, physicochemical variation, residue mobility, and thermodynamic stability) performed at Invitae indicates that this missense variant is not expected to disrupt ADCY5 protein function. This variant has not been reported in the literature in individuals affected with ADCY5-related conditions. This variant is present in population databases (no rsID available, gnomAD 0.0009%). This sequence change replaces leucine, which is neutral and non-polar, with valine, which is neutral and non-polar, at codon 342 of the ADCY5 protein (p.Leu342Val).